The following is an entry in ClinVar:

ClinVar aggregate classification (germline): Likely benign. Review status: criteria provided, multiple submitters, no conflicts (2 of 4 stars). 3 submissions from 3 submitters: Likely benign (2). 1 of the submissions does not count toward it. Last evaluated 2025-08-31.

Conditions:
Left-right axis malformations. Identifiers: MedGen C1866091.
LEFTY2-related disorder. Also called: LEFTY2-related condition.

Allele frequency attached by ClinVar (database versions not stated): TOPMed 0.00022.

Submissions (3):

Labcorp Genetics (formerly Invitae), Labcorp
Classification: Likely benign for Left-right axis malformations. Last evaluated: 2025-08-31. Review status: criteria provided, single submitter. Criteria: Invitae Variant Classification Sherloc (09022015). Collection method: clinical testing. Allele origin: germline.

Illumina Laboratory Services, Illumina
Classification: Likely benign for Left-right axis malformations. Last evaluated: 2018-01-13. Review status: criteria provided, single submitter. Criteria: ICSL Variant Classification Criteria 13 December 2019. Collection method: clinical testing. Allele origin: germline.
Comment: This variant was observed in the ICSL laboratory as part of a predisposition screen in an ostensibly healthy population. It had not been previously curated by ICSL or reported in the Human Gene Mutation Database (HGMD: prior to June 1st, 2018), and was therefore a candidate for classification through an automated scoring system. Utilizing variant allele frequency, disease prevalence and penetrance estimates, and inheritance mode, an automated score was calculated to assess if this variant is too frequent to cause the disease. Based on the score and internal cut-off values, a variant classified as likely benign is not then subjected to further curation. The score for this variant resulted in a classification of likely benign for this disease.

PreventionGenetics, part of Exact Sciences
Classification: Likely benign for LEFTY2-related condition. Last evaluated: 2019-07-12. Review status: no assertion criteria provided. Collection method: clinical testing. Allele origin: germline. Not counted in ClinVar's aggregate classification.
Comment: This variant is classified as likely benign based on ACMG/AMP sequence variant interpretation guidelines (Richards et al. 2015 PMID: 25741868, with internal and published modifications).

NM_003240.5(LEFTY2):c.348C>A (p.Ala116=)

Gene: LEFTY2 (left-right determination factor 2; minus strand). Cytogenetic location: 1q42.12.
Variant type: single nucleotide variant.
Coding change: c.348C>A on transcript NM_003240.5 (MANE Select); coding-DNA position 348, C replaced by A.
Protein change: p.Ala116=; no amino-acid change (alanine 116 retained).
Molecular consequence: synonymous variant. On other transcripts: intron variant (1).
Genome position (GRCh38, 1-based): chr1:225,939,905, G>T on the plus strand (C>A on the coding strand, the complement: LEFTY2 is on the minus strand). VCF-style: chr1-225939905-G-T. GRCh37 (hg19) VCF-style: chr1-226127605-G-T.
Other names: c.280-34C>A (NM_001172425.3); c.348C>A (NM_003240.4).
Identifiers: ClinVar variation 876218 (VCV000876218.13), dbSNP rs755946624, ClinGen allele CA1420612.
Genomic context (GRCh38, chr1:225,939,905, plus strand): 5'-CAGCCGCCCGTGCCTGTGCAGCGCGGCCTTGGGGACCGGCTCCTGGAAGAGCCGCAGCAC[G>T]GCCTGCACCAGCTCGCTGTTGGGCGGCAGCCGCTGCTCCATGCCGAACACCAGCAGGTGT-3'
Protein context (NP_003231.2, residues 106-126): RLPPNSELVQ[Ala116=]VLRLFQEPVP